The following is an entry in ClinVar:

NM_007118.4(TRIO):c.6888_6889dup (p.Gly2297fs)

Gene: TRIO (trio Rho guanine nucleotide exchange factor; plus strand). Cytogenetic location: 5p15.2.
Variant type: Duplication.
Coding change: c.6888_6889dup on transcript NM_007118.4 (MANE Select); coding-DNA positions 6888 to 6889, 2 bases duplicated (CG; older notation c.6888_6889dupCG).
Protein change: p.Gly2297fs; shifts the reading frame from glycine 2297.
Molecular consequence: frameshift variant. On other transcripts: non-coding transcript variant (1).
Genome position (GRCh38, 1-based): chr5:14,487,516-14,487,517, CG duplicated; duplicating any 2 consecutive bases within chr5:14,487,515-14,487,517 gives the same sequence; the c. name uses the placement nearest the transcript's 3' end. VCF-style (leftmost placement, unchanged base first): chr5-14487514-G-GGC. GRCh37 (hg19) VCF-style: chr5-14487623-G-GGC.
Other names: short protein forms G2297fs.
Identifiers: ClinVar variation 862274 (VCV000862274.7), dbSNP rs1756023411, ClinGen allele CA916082694.
Genomic context (GRCh38, chr5:14,487,514, plus strand): 5'-TGTCTTACAGCCTTGACATCGCCAATCGAGTACCAGAGGAACCACAGCGGGGGCGGCGGC[G>GGC]GCGGCGGCAGCGGGGGCAGCGGCGGGGGTGGGGGCAGCGGCGGCGGCGGGGCCCCCAGTG-3'

ClinVar aggregate classification (germline): Pathogenic (1 of 4 stars; one submission).

Submission:

Labcorp Genetics (formerly Invitae), Labcorp
Classification: Pathogenic. Last evaluated: 2019-02-21. Review status: criteria provided, single submitter. Criteria: Invitae Variant Classification Sherloc (09022015). Collection method: clinical testing. Allele origin: germline.
Comment: This sequence change creates a premature translational stop signal (p.Gly2297Alafs*117) in the TRIO gene. It is expected to result in an absent or disrupted protein product. This variant is not present in population databases (ExAC no frequency). This variant has not been reported in the literature in individuals with TRIO-related conditions. Loss-of-function variants in TRIO are known to be pathogenic (PMID: 26721934). For these reasons, this variant has been classified as Pathogenic.

Literature cited by the submitters: PubMed 26721934.